The following is an entry in ClinVar:

NM_001105206.3(LAMA4):c.4388C>G (p.Pro1463Arg)

Gene: LAMA4 (laminin subunit alpha 4; minus strand). Cytogenetic location: 6q21.
Variant type: single nucleotide variant.
Coding change: c.4388C>G on transcript NM_001105206.3 (MANE Select); coding-DNA position 4388, C replaced by G.
Protein change: p.Pro1463Arg; replaces proline 1463 with arginine.
Molecular consequence: missense variant.
Genome position (GRCh38, 1-based): chr6:112,122,101, G>C on the plus strand (C>G on the coding strand, the complement: LAMA4 is on the minus strand). VCF-style: chr6-112122101-G-C. GRCh37 (hg19) VCF-style: chr6-112443304-G-C.
Other names: c.4367C>G, p.Pro1456Arg (NM_001105207.3, NM_002290.5); short protein forms P1456R, P1463R.
Identifiers: ClinVar variation 3684382 (VCV003684382.2).

ClinVar aggregate classification (germline): Uncertain significance (1 of 4 stars; one submission).

Conditions:
Dilated cardiomyopathy 1JJ (CMD1JJ). Identifiers: Orphanet 154, MedGen C3808935, MONDO:0014095, OMIM 615235.

Submission:

Labcorp Genetics (formerly Invitae), Labcorp
Classification: Uncertain significance for Dilated cardiomyopathy 1JJ. Last evaluated: 2024-10-30. Review status: criteria provided, single submitter. Criteria: Invitae Variant Classification Sherloc (09022015). Collection method: clinical testing. Allele origin: germline.
Comment: This sequence change replaces proline, which is neutral and non-polar, with arginine, which is basic and polar, at codon 1456 of the LAMA4 protein (p.Pro1456Arg). This variant is not present in population databases (gnomAD no frequency). This variant has not been reported in the literature in individuals affected with LAMA4-related conditions. Invitae Evidence Modeling of protein sequence and biophysical properties (such as structural, functional, and spatial information, amino acid conservation, physicochemical variation, residue mobility, and thermodynamic stability) indicates that this missense variant is expected to disrupt LAMA4 protein function with a positive predictive value of 80%. In summary, the available evidence is currently insufficient to determine the role of this variant in disease. Therefore, it has been classified as a Variant of Uncertain Significance.